The following is an entry in ClinVar:

NM_139057.4(ADAMTS17):c.2296-3C>T

Gene: ADAMTS17 (ADAM metallopeptidase with thrombospondin type 1 motif 17; minus strand). Cytogenetic location: 15q26.3.
Variant type: single nucleotide variant.
Coding change: c.2296-3C>T on transcript NM_139057.4 (MANE Select); 3 bases into the intron before coding-DNA position 2296, C replaced by T.
Molecular consequence: intron variant.
Genome position (GRCh38, 1-based): chr15:100,051,734, G>A on the plus strand (C>T on the coding strand, the complement: ADAMTS17 is on the minus strand). VCF-style: chr15-100051734-G-A. GRCh37 (hg19) VCF-style: chr15-100591939-G-A.
Identifiers: ClinVar variation 4839806 (VCV004839806.1).

ClinVar aggregate classification (germline): Uncertain significance (1 of 4 stars; one submission).

Conditions:
Inborn genetic diseases. Identifiers: MedGen C0950123, MeSH D030342.

gnomAD v4.1: 7 of 1,614,028 alleles (0.00043%); highest among the groups gnomAD compares: East Asian, 0.0067%; no homozygotes.

Submission:

Ambry Genetics
Classification: Uncertain significance for Inborn genetic diseases. Last evaluated: 2026-02-17. Review status: criteria provided, single submitter. Criteria: Ambry Variant Classification Scheme 2023. Collection method: clinical testing. Allele origin: germline.
Comment: The c.2296-3C>T intronic alteration consists of a C to T substitution 3 nucleotides before coding exon 17 in the ADAMTS17 gene. Based on data from gnomAD, the T allele has an overall frequency of 0.001% (2/251438) total alleles studied. The highest observed frequency was 0.003% (1/30616) of South Asian alleles. Based on insufficient or conflicting evidence, the clinical significance of this alteration remains unclear.